The following is an entry in ClinVar:

ClinVar aggregate classification (germline): Pathogenic (1 of 4 stars; one submission).

Conditions:
Combined immunodeficiency due to LRBA deficiency. Also called: Common variable immunodeficiency 8, with autoimmunity. Identifiers: Orphanet 445018, MedGen C3553512, MONDO:0013863, OMIM 614700.

Submission:

Labcorp Genetics (formerly Invitae), Labcorp
Classification: Pathogenic for Combined immunodeficiency due to LRBA deficiency. Last evaluated: 2022-07-02. Review status: criteria provided, single submitter. Criteria: Invitae Variant Classification Sherloc (09022015). Collection method: clinical testing. Allele origin: germline.
Comment: This variant is not present in population databases (gnomAD no frequency). This sequence change creates a premature translational stop signal (p.Arg736Serfs*13) in the LRBA gene. It is expected to result in an absent or disrupted protein product. Loss-of-function variants in LRBA are known to be pathogenic (PMID: 26206937, 26768763). This variant has not been reported in the literature in individuals affected with LRBA-related conditions. For these reasons, this variant has been classified as Pathogenic.

Literature cited by the submitters: PubMed 26206937; PubMed 26768763.

NM_001364905.1(LRBA):c.2204_2205dup (p.Arg736fs)

Gene: LRBA (LPS responsive beige-like anchor protein; minus strand). Cytogenetic location: 4q31.3.
Variant type: Duplication.
Coding change: c.2204_2205dup on transcript NM_001364905.1 (MANE Select); coding-DNA positions 2204 to 2205, 2 bases duplicated (TC; older notation c.2204_2205dupTC).
Protein change: p.Arg736fs; shifts the reading frame from arginine 736.
Molecular consequence: frameshift variant.
Genome position (GRCh38, 1-based): chr4:150,872,716-150,872,717, GA duplicated on the plus strand (TC on the coding strand, the reverse complement: LRBA is on the minus strand). VCF-style (leftmost placement, unchanged base first): chr4-150872715-T-TGA. GRCh37 (hg19) VCF-style: chr4-151793867-T-TGA.
Other names: c.2204_2205dup, p.Arg736Serfs (NM_001199282.3, NM_006726.5); c.2204_2205dup, p.Arg736fs (NM_001367550.1); short protein forms R736fs.
Identifiers: ClinVar variation 2013113 (VCV002013113.4), dbSNP rs2546559478, ClinGen allele CA2580071606.